The following is an entry in ClinVar:

ClinVar aggregate classification (germline): Uncertain significance. Review status: reviewed by expert panel (3 of 4 stars). 4 submissions from 4 submitters: Uncertain significance (1). 3 of the submissions do not count toward it. Last evaluated 2023-02-18.

Conditions:
Hereditary cancer-predisposing syndrome. Also called: Tumor predisposition; Hereditary Cancer Syndrome; Neoplastic Syndromes, Hereditary; Hereditary neoplastic syndrome. Identifiers: Orphanet 140162, MedGen C0027672, MeSH D009386, MONDO:0015356.
Familial adenomatous polyposis 1 (FAP1). Also called: FAMILIAL ADENOMATOUS POLYPOSIS 1, ATTENUATED; POLYPOSIS, ADENOMATOUS INTESTINAL. Identifiers: MedGen C2713442, MONDO:0021056, OMIM 175100. Disease mechanism: loss of function.

Submissions (4):

ClinGen InSiGHT Hereditary Colorectal Cancer/Polyposis Variant Curation Expert Panel
Classification: Uncertain significance for Familial adenomatous polyposis 1. Last evaluated: 2023-02-18. Review status: reviewed by expert panel. Criteria: ClinGen InSiGHT HCCP VCEP ACMG Specifications APC V1. Collection method: curation. Allele origin: germline. Inheritance: Autosomal dominant inheritance.
Comment: The c.1105TTG[1] or c.1108_1110del variant in APC is predicted to cause a change in the length of the protein due to an in-frame deletion of 1 amino acid (p.Leu370del). This variant is absent from gnomAD v2.1.1 (PM2_Supporting). This variant was not observed in internal data from Ambry Genetics, Invitae, Bonn or Melbourne. In summary, this variant meets the criteria to be classified as a Variant of Uncertain Significance (VUS) for FAP based on the ACMG/AMP criteria applied, as specified by the ClinGen InSiGHT Hereditary Colorectal Cancer/Polyposis Variant Curation Expert Panel: PM2_Supporting (VCEP specifications version 1.0; date of approval: 12/12/2022).

Labcorp Genetics (formerly Invitae), Labcorp
Classification: Uncertain significance for Familial adenomatous polyposis 1. Last evaluated: 2024-07-26. Review status: criteria provided, single submitter. Criteria: Invitae Variant Classification Sherloc (09022015). Collection method: clinical testing. Allele origin: germline. Not counted in ClinVar's aggregate classification.
Comment: This variant, c.1108_1110del, results in the deletion of 1 amino acid(s) of the APC protein (p.Leu370del), but otherwise preserves the integrity of the reading frame. This variant is not present in population databases (gnomAD no frequency). This variant has not been reported in the literature in individuals affected with APC-related conditions. ClinVar contains an entry for this variant (Variation ID: 822187). Experimental studies and prediction algorithms are not available or were not evaluated, and the functional significance of this variant is currently unknown. In summary, the available evidence is currently insufficient to determine the role of this variant in disease. Therefore, it has been classified as a Variant of Uncertain Significance.

Color Diagnostics, LLC DBA Color Health
Classification: Uncertain significance for Hereditary cancer-predisposing syndrome. Last evaluated: 2021-06-03. Review status: criteria provided, single submitter. Criteria: ACMG Guidelines, 2015. Collection method: clinical testing. Allele origin: germline. Not counted in ClinVar's aggregate classification.
Comment: This variant causes a deletion of 1 amino acid from the APC protein. To our knowledge, functional studies have not been reported for this variant. This variant has not been reported in individuals affected with hereditary cancer in the literature. This variant has not been identified in the general population by the Genome Aggregation Database (gnomAD). The available evidence is insufficient to determine the role of this variant in disease conclusively. Therefore, this variant is classified as a Variant of Uncertain Significance.

Ambry Genetics
Classification: Uncertain significance for Hereditary cancer-predisposing syndrome. Last evaluated: 2017-12-29. Review status: criteria provided, single submitter. Criteria: Ambry Variant Classification Scheme 2023. Collection method: clinical testing. Allele origin: germline. Not counted in ClinVar's aggregate classification.
Comment: The c.1108_1110delTTG variant (also known as p.L370del) is located in coding exon 9 of the APC gene. This variant results from an in-frame TTG deletion at nucleotide positions 1108 to 1110. This results in the in-frame deletion of a leucine at codon 370. This amino acid position is highly conserved in available vertebrate species. Since supporting evidence is limited at this time, the clinical significance of this alteration remains unclear.

NM_000038.6(APC):c.1105TTG[1] (p.Leu370del)

Gene: APC (APC regulator of Wnt signaling pathway; plus strand). Cytogenetic location: 5q22.2.
Variant type: Microsatellite.
Coding change: c.1105TTG[1] on transcript NM_000038.6 (MANE Select); one copy of the 3-base unit TTG starting at c.1105; the reference has two copies in a row; one copy, 3 bases deleted; also written c.1108_1110del.
Protein change: p.Leu370del; deletes leucine 370.
Molecular consequence: inframe deletion. On other transcripts: intron variant (4).
Genome position (GRCh38, 1-based): chr5:112,819,140-112,819,142, TTG deleted; deleting any 3 consecutive bases within chr5:112,819,137-112,819,142 gives the same sequence; the position shown is the placement nearest the transcript's 3' end. VCF-style (leftmost placement, unchanged base first): chr5-112819136-ATTG-A. GRCh37 (hg19) VCF-style: chr5-112154833-ATTG-A.
Other names: NM_000038.6(APC):c.1105TTG[1]; p.Leu370del; c.1030TTG[1], p.Leu345del (NM_001354898.2); c.1021TTG[1], p.Leu342del (NM_001354899.2); c.928TTG[1], p.Leu311del (NM_001354900.2, NM_001354901.2); c.256TTG[1], p.Leu87del (NM_001354906.2); c.964-129_964-127del (NM_001354902.2); c.859-129_859-127del (NM_001354904.2); and 6 more; short protein forms L311del, L87del, L370del, L342del, L345del, L352del, L380del.
Identifiers: ClinVar variation 822187 (VCV000822187.11), dbSNP rs1580529312, ClinGen allele CA915942594.